The following is an entry in ClinVar:

NM_001303256.3(MORC2):c.774T>C (p.His258=)

Gene: MORC2 (MORC family CW-type zinc finger 2; minus strand). Cytogenetic location: 22q12.2.
Variant type: single nucleotide variant.
Coding change: c.774T>C on transcript NM_001303256.3 (MANE Select); coding-DNA position 774, T replaced by C.
Protein change: p.His258=; no amino-acid change (histidine 258 retained).
Molecular consequence: synonymous variant.
Genome position (GRCh38, 1-based): chr22:30,941,483, A>G on the plus strand (T>C on the coding strand, the complement: MORC2 is on the minus strand). VCF-style: chr22-30941483-A-G. GRCh37 (hg19) VCF-style: chr22-31337470-A-G.
Other names: c.774T>C, p.His258= (NM_001303257.2); c.588T>C, p.His196= (NM_014941.3); c.774T>C (NM_001303256.2).
Identifiers: ClinVar variation 542300 (VCV000542300.14), dbSNP rs747931761, ClinGen allele CA10187172.

ClinVar aggregate classification (germline): Likely benign. Review status: criteria provided, multiple submitters, no conflicts (2 of 4 stars). 3 submissions from 3 submitters: Likely benign (3). Last evaluated 2026-02-02.

Conditions:
MORC2-related disorder. Also called: MORC2-related condition.
Charcot-Marie-Tooth disease axonal type 2Z. Also called: CHARCOT-MARIE-TOOTH DISEASE, AXONAL, AUTOSOMAL DOMINANT, TYPE 2Z; CHARCOT-MARIE-TOOTH NEUROPATHY, TYPE 2Z. Identifiers: Orphanet 466768, MedGen C5569025, MONDO:0014736, OMIM 616688.

Allele frequency attached by ClinVar (database versions not stated): gnomAD exomes below 0.00001; ExAC 0.00003; TOPMed 0.00004; gnomAD 0.00016.
gnomAD v4.1: 48 of 1,614,108 alleles (0.003%); highest among the groups gnomAD compares: Admixed American, 0.04%; 5 homozygotes.

Submissions (3):

Labcorp Genetics (formerly Invitae), Labcorp
Classification: Likely benign for Charcot-Marie-Tooth disease axonal type 2Z. Last evaluated: 2026-02-02. Review status: criteria provided, single submitter. Criteria: Invitae Variant Classification Sherloc (09022015). Collection method: clinical testing. Allele origin: germline.

PreventionGenetics, part of Exact Sciences
Classification: Likely benign for MORC2-related condition. Last evaluated: 2025-04-04. Review status: criteria provided, single submitter. Criteria: ACMG Guidelines, 2015. Collection method: clinical testing. Allele origin: germline.
Comment: This variant is classified as likely benign based on ACMG/AMP sequence variant interpretation guidelines (Richards et al. 2015 PMID: 25741868, with internal and published modifications).

Blueprint Genetics
Classification: Likely benign. Last evaluated: 2024-09-11. Review status: criteria provided, single submitter. Criteria: ACMG Guidelines, 2015. Collection method: clinical testing. Allele origin: germline.